The following is an entry in ClinVar:

ClinVar aggregate classification (germline): Conflicting classifications of pathogenicity. Review status: criteria provided, conflicting classifications (1 of 4 stars). 7 submissions from 7 submitters: Uncertain significance (2); Likely benign (4). 1 of the submissions does not count toward it. Last evaluated 2026-01-28.

Conditions:
LOXHD1-related disorder. Also called: LOXHD1-related condition.
Autosomal recessive nonsyndromic hearing loss 77. Identifiers: Orphanet 90636, MedGen C2746083, MONDO:0013119, OMIM 613079.

Submissions (7):

Labcorp Genetics (formerly Invitae), Labcorp
Classification: Likely benign. Last evaluated: 2026-01-28. Review status: criteria provided, single submitter. Criteria: Invitae Variant Classification Sherloc (09022015). Collection method: clinical testing. Allele origin: germline.

Blueprint Genetics
Classification: Likely benign. Last evaluated: 2024-11-22. Review status: criteria provided, single submitter. Criteria: ACMG Guidelines, 2015. Collection method: clinical testing. Allele origin: germline.

PreventionGenetics, part of Exact Sciences
Classification: Likely benign for LOXHD1-related condition. Last evaluated: 2024-11-22. Review status: criteria provided, single submitter. Criteria: ACMG Guidelines, 2015. Collection method: clinical testing. Allele origin: germline.
Comment: This variant is classified as likely benign based on ACMG/AMP sequence variant interpretation guidelines (Richards et al. 2015 PMID: 25741868, with internal and published modifications).

Laboratory for Molecular Medicine, Mass General Brigham Personalized Medicine
Classification: Likely benign. Last evaluated: 2019-01-17. Review status: criteria provided, single submitter. Criteria: LMM Criteria. Collection method: clinical testing. Allele origin: germline. Observed: 2 variant alleles.
Comment: The c.2874_2891dup (p.Ser959_Ser964dup) variant in LOXHD1 is classified as likel y benign because it has been identified in 0.20% (147/76596) of European chromos omes by gnomAD and it is an in-frame duplicat ion of 6 amino acids in a repeat region of LOXHD1 with multiple in-frame deletio ns and duplications in the general population. ACMG/AMP criteria: BS1_Supporting , BP3.

Victorian Clinical Genetics Services, Murdoch Childrens Research Institute
Classification: Uncertain significance for Autosomal recessive nonsyndromic hearing loss 77. Last evaluated: 2018-07-01. Review status: criteria provided, single submitter. Criteria: ACMG Guidelines, 2015. Collection method: clinical testing. Allele origin: unknown. Affected: yes.
Comment: A heterozygous inframe insertion variant, NM_144612.6(LOXHD1):c.2874_2891dupCTCATCAGAGGAGTCCTC, has been identified in exon 19 of 40 of the LOXHD1 gene. The variant is predicted to result in an inframe insertion of six amino acids at position 960 to 965 of the protein, NP_653213.6(LOXHD1):p.(Ser960_Ser965dup). This region has low conservation (100 vertebrates, UCSC), and the insertion is not located within a well established functional domain. This variant is present in the gnomAD database at a frequency of 0.1097% (200 heterozygotes, 0 homozygotes) and has been previously described as a VUS (ClinVar), however has not been reported in individuals with hearing loss. Based on the information available at the time of curation, this variant has been classified as VARIANT of UNCERTAIN SIGNIFICANCE (VUS) with LOW CLINICAL RELEVANCE.

Eurofins Ntd Llc (ga)
Classification: Uncertain significance. Last evaluated: 2017-12-01. Review status: criteria provided, single submitter. Criteria: EGL Classification Definitions 2015. Collection method: clinical testing. Allele origin: germline. Observed: 1 variant allele, 1 heterozygote.

Natera, Inc.
Classification: Likely benign for Autosomal recessive deafness type 77. Last evaluated: 2020-09-16. Review status: no assertion criteria provided. Collection method: clinical testing. Allele origin: germline. Not counted in ClinVar's aggregate classification.

NM_001384474.1(LOXHD1):c.2874_2891dup (p.Ser960_Ser965dup)

Gene: LOXHD1 (lipoxygenase homology PLAT domains 1; minus strand). Cytogenetic location: 18q21.1.
Variant type: Duplication.
Coding change: c.2874_2891dup on transcript NM_001384474.1 (MANE Select); coding-DNA positions 2874 to 2891, 18 bases duplicated (CTCATCAGAGGAGTCCTC).
Protein change: p.Ser960_Ser965dup.
Molecular consequence: inframe insertion.
Genome position (GRCh38, 1-based): chr18:46,560,253-46,560,270, GAGGACTCCTCTGATGAG duplicated on the plus strand (CTCATCAGAGGAGTCCTC on the coding strand, the reverse complement: LOXHD1 is on the minus strand); duplicating any 18 consecutive bases within chr18:46,560,253-46,560,272 gives the same sequence; the c. name uses the placement nearest the transcript's 3' end. VCF-style (leftmost placement, unchanged base first): chr18-46560252-C-CGAGGACTCCTCTGATGAG. GRCh37 (hg19) VCF-style: chr18-44140215-C-CGAGGACTCCTCTGATGAG.
Other names: c.2874_2891dupCTCATCAGAGGAGTCCTC (NM_144612.6); c.2874_2891dup, p.Ser960_Ser965dup (NM_144612.7).
Identifiers: ClinVar variation 228821 (VCV000228821.22), dbSNP rs759237437, ClinGen allele CA8952598.
Genomic context (GRCh38, chr18:46,560,252, plus strand): 5'-CTGCATCCCCGGCCCAAACTCCTCCTCTTCCTCCTCTTCTTCCATCTCCTCCTCCTCTGA[C>CGAGGACTCCTCTGATGAG]GAGGACTCCTCTGATGAGGACGACTCCTCTTCCTCCCCCTCGTCCTCTTCGTCGCTGCCC-3'